The following is an entry in ClinVar:

ClinVar aggregate classification (germline): Uncertain significance. Review status: criteria provided, multiple submitters, no conflicts (2 of 4 stars). 2 submissions from 2 submitters: Uncertain significance (2). Last evaluated 2025-11-17.

Conditions:
Gorlin syndrome. Also called: Nevoid Basal Cell Carcinoma Syndrome; Basal cell nevus syndrome. Identifiers: Orphanet 377, MedGen C0004779, MONDO:0007187.
Hereditary cancer-predisposing syndrome. Also called: Neoplastic Syndromes, Hereditary; Hereditary neoplastic syndrome; Tumor predisposition; Hereditary Cancer Syndrome. Identifiers: Orphanet 140162, MedGen C0027672, MeSH D009386, MONDO:0015356.

gnomAD v4.1: 2 of 1,614,190 alleles (0.00012%); highest among the groups gnomAD compares: Non-Finnish European, 0.00017%; no homozygotes.

Submissions (2):

Labcorp Genetics (formerly Invitae), Labcorp
Classification: Uncertain significance for Gorlin syndrome. Last evaluated: 2025-11-17. Review status: criteria provided, single submitter. Criteria: Invitae Variant Classification Sherloc (09022015). Collection method: clinical testing. Allele origin: germline.
Comment: This sequence change replaces serine, which is neutral and polar, with cysteine, which is neutral and slightly polar, at codon 718 of the PTCH1 protein (p.Ser718Cys). This variant is not present in population databases (gnomAD no frequency). This variant has not been reported in the literature in individuals affected with PTCH1-related conditions. ClinVar contains an entry for this variant (Variation ID: 3311190). Invitae Evidence Modeling of protein sequence and biophysical properties (such as structural, functional, and spatial information, amino acid conservation, physicochemical variation, residue mobility, and thermodynamic stability) indicates that this missense variant is not expected to disrupt PTCH1 protein function with a negative predictive value of 95%. In summary, the available evidence is currently insufficient to determine the role of this variant in disease. Therefore, it has been classified as a Variant of Uncertain Significance.

Ambry Genetics
Classification: Uncertain significance for Hereditary cancer-predisposing syndrome. Last evaluated: 2024-05-25. Review status: criteria provided, single submitter. Criteria: Ambry Variant Classification Scheme 2023. Collection method: clinical testing. Allele origin: germline.
Comment: The p.S718C variant (also known as c.2153C>G), located in coding exon 14 of the PTCH1 gene, results from a C to G substitution at nucleotide position 2153. The serine at codon 718 is replaced by cysteine, an amino acid with dissimilar properties. This amino acid position is conserved. In addition, the in silico prediction for this alteration is inconclusive. Based on the available evidence, the clinical significance of this variant remains unclear.

NM_000264.5(PTCH1):c.2153C>G (p.Ser718Cys)

Genes: PTCH1 (patched 1; minus strand), LOC100507346 (uncharacterized LOC100507346; plus strand). Cytogenetic location: 9q22.32.
Variant type: single nucleotide variant.
Coding change: c.2153C>G on transcript NM_000264.5 (MANE Select); coding-DNA position 2153, C replaced by G.
Protein change: p.Ser718Cys; replaces serine 718 with cysteine.
Molecular consequence: missense variant. On other transcripts: non-coding transcript variant (2).
Genome position (GRCh38, 1-based): chr9:95,468,848, G>C on the plus strand (C>G on the coding strand, the complement: PTCH1 is on the minus strand). VCF-style: chr9-95468848-G-C. GRCh37 (hg19) VCF-style: chr9-98231130-G-C.
Other names: c.1955C>G, p.Ser652Cys (NM_001083602.3); c.2150C>G, p.Ser717Cys (NM_001083603.3); c.1700C>G, p.Ser567Cys (NM_001083604.3, NM_001083605.3, NM_001083606.3 and 1 more transcripts); c.1997C>G, p.Ser666Cys (NM_001354918.2); short protein forms S567C, S718C, S717C, S652C, S666C.
Identifiers: ClinVar variation 3311190 (VCV003311190.2).